The following is an entry in ClinVar:

ClinVar aggregate classification (germline): Likely pathogenic. Review status: criteria provided, multiple submitters, no conflicts (2 of 4 stars). 2 submissions from 2 submitters: Likely pathogenic (2). Last evaluated 2026-07-13.

Conditions:
Renal tubulopathies.
Familial hypokalemia-hypomagnesemia (GTLMNS). Also called: HYPOMAGNESEMIA-HYPOKALEMIA, PRIMARY RENOTUBULAR, WITH HYPOCALCIURIA; POTASSIUM AND MAGNESIUM DEPLETION; gitelman syndrome. Identifiers: Orphanet 358, MedGen C0268450, MONDO:0009904, OMIM 263800.

Submissions (2):

Genetics Laboratory, Great Ormond Street Hospital NHS Foundation Trust, North Thames Genomic Laboratory Hub
Classification: Likely pathogenic for Renal tubulopathies. Last evaluated: 2026-07-13. Review status: criteria provided, single submitter. Criteria: ACGS Best Practice Guidelines for Variant Classification in Rare Disease 2024 v1.2. Collection method: clinical testing. Allele origin: germline. Affected: yes.
Comment: PM2_moderate, PP3_supporting, PM3_moderate, PP4_supporting

Fulgent Genetics
Classification: Likely pathogenic for Familial hypokalemia-hypomagnesemia. Last evaluated: 2024-06-15. Review status: criteria provided, single submitter. Criteria: ACMG Guidelines, 2015. Collection method: clinical testing. Allele origin: germline.

NM_001126108.2(SLC12A3):c.1573C>T (p.Leu525Phe)

Gene: SLC12A3 (solute carrier family 12 member 3; plus strand). Cytogenetic location: 16q13.
Variant type: single nucleotide variant.
Coding change: c.1573C>T on transcript NM_001126108.2 (MANE Select); coding-DNA position 1573, C replaced by T.
Protein change: p.Leu525Phe; replaces leucine 525 with phenylalanine.
Molecular consequence: missense variant.
Genome position (GRCh38, 1-based): chr16:56,882,401, C>T. VCF-style: chr16-56882401-C-T. GRCh37 (hg19) VCF-style: chr16-56916313-C-T.
Other names: c.1573C>T, p.Leu525Phe (NM_000339.3); c.1570C>T, p.Leu524Phe (NM_001126107.2, NM_001410896.1); short protein forms L524F, L525F.
Identifiers: ClinVar variation 3581018 (VCV003581018.2).